The following is an entry in ClinVar:

ClinVar aggregate classification (germline): Pathogenic. Review status: criteria provided, single submitter (1 of 4 stars). 3 submissions from 3 submitters: Pathogenic (1). 2 of the submissions do not count toward it. Last evaluated 2023-10-30.

Conditions:
Very long chain acyl-CoA dehydrogenase deficiency (ACADVLD). Also called: VLCAD Deficiency; Very Long-Chain Acyl-Coenzyme A Dehydrogenase Deficiency. Identifiers: Orphanet 26793, MedGen C3887523, MONDO:0008723, OMIM 201475.

Allele frequency attached by ClinVar (database versions not stated): TOPMed below 0.00001; gnomAD exomes 0.00001.
gnomAD v4.1: 5 of 1,614,150 alleles (0.00031%); highest among the groups gnomAD compares: Non-Finnish European, 0.00042%; no homozygotes.

Submissions (3):

Labcorp Genetics (formerly Invitae), Labcorp
Classification: Pathogenic for Very long chain acyl-CoA dehydrogenase deficiency. Last evaluated: 2023-10-30. Review status: criteria provided, single submitter. Criteria: Invitae Variant Classification Sherloc (09022015). Collection method: clinical testing. Allele origin: germline.
Comment: This sequence change creates a premature translational stop signal (p.Trp427*) in the ACADVL gene. It is expected to result in an absent or disrupted protein product. Loss-of-function variants in ACADVL are known to be pathogenic (PMID: 9973285, 11590124). This variant is not present in population databases (gnomAD no frequency). This premature translational stop signal has been observed in individual(s) with ACADVL-related conditions (PMID: 10077518, 33150772). ClinVar contains an entry for this variant (Variation ID: 370480). Algorithms developed to predict the effect of sequence changes on RNA splicing suggest that this variant may disrupt the consensus splice site. For these reasons, this variant has been classified as Pathogenic.

Counsyl
Classification: Likely pathogenic for Very long chain acyl-CoA dehydrogenase deficiency. Last evaluated: 2016-02-18. Review status: no assertion criteria provided. Collection method: clinical testing. Allele origin: unknown. Not counted in ClinVar's aggregate classification.

Neonatal Disease Screening Center, Medical Genetics Center, Huaihua City Maternal and Child Health Care Hospital
Classification: Pathogenic for Very long chain acyl-CoA dehydrogenase deficiency. Review status: no assertion criteria provided. Criteria: ACMG Guidelines, 2015. Collection method: clinical testing. Allele origin: germline. Affected: yes. Observed: 1 variant allele. Not counted in ClinVar's aggregate classification.
Comment: PVS1+PM2_P+PM3_P+PP4

Literature cited by the submitters: PubMed 9973285 (cited by Labcorp Genetics (formerly Invitae), Labcorp); PubMed 11590124 (cited by Labcorp Genetics (formerly Invitae), Labcorp); PubMed 10077518 (cited by Labcorp Genetics (formerly Invitae), Labcorp and Counsyl); PubMed 33150772 (cited by Labcorp Genetics (formerly Invitae), Labcorp); PubMed 24801231 (cited by Counsyl).

NM_000018.4(ACADVL):c.1280G>A (p.Trp427Ter)

Gene: ACADVL (acyl-CoA dehydrogenase very long chain; plus strand). Cytogenetic location: 17p13.1.
Variant type: single nucleotide variant.
Coding change: c.1280G>A on transcript NM_000018.4 (MANE Select); coding-DNA position 1280, G replaced by A.
Protein change: p.Trp427Ter; replaces tryptophan 427 with a stop codon.
Molecular consequence: nonsense.
Genome position (GRCh38, 1-based): chr17:7,223,823, G>A. VCF-style: chr17-7223823-G-A. GRCh37 (hg19) VCF-style: chr17-7127142-G-A.
Other names: c.1214G>A, p.Trp405Ter (NM_001033859.3); c.1349G>A, p.Trp450Ter (NM_001270447.2); c.1052G>A, p.Trp351Ter (NM_001270448.2); short protein forms W427*, W351*, W405*, W450*.
Identifiers: ClinVar variation 370480 (VCV000370480.8), dbSNP rs1057516519, ClinGen allele CA16041872.
Genomic context (GRCh38, chr17:7,223,823, plus strand): 5'-GTTTGGGTGCTCAGCTCCCAAAACCAGTCTCATCTGTTCTTTGTCCCTAGGAGGCAGCCT[G>A]GAAGGTGACAGATGAATGCATCCAAATCATGGGGGGTATGGGCTTCATGAAGGTACAGGA-3'